The following is an entry in ClinVar:

NM_013266.4(CTNNA3):c.1978-3T>G

Gene: CTNNA3 (catenin alpha 3; minus strand). Cytogenetic location: 10q21.3.
Variant type: single nucleotide variant.
Coding change: c.1978-3T>G on transcript NM_013266.4 (MANE Select); 3 bases into the intron before coding-DNA position 1978, T replaced by G.
Molecular consequence: intron variant.
Genome position (GRCh38, 1-based): chr10:66,069,492, A>C on the plus strand (T>G on the coding strand, the complement: CTNNA3 is on the minus strand). VCF-style: chr10-66069492-A-C. GRCh37 (hg19) VCF-style: chr10-67829250-A-C.
Other names: c.1978-3T>G (NM_001127384.3).
Identifiers: ClinVar variation 1440907 (VCV001440907.6), dbSNP rs1384475219, ClinGen allele CA594256416.

ClinVar aggregate classification (germline): Uncertain significance (1 of 4 stars; one submission).

Conditions:
Arrhythmogenic right ventricular dysplasia 13. Also called: ARRHYTHMOGENIC RIGHT VENTRICULAR CARDIOMYOPATHY 13; Arrhythmogenic right ventricular dysplasia, familial, 13. Identifiers: MedGen C3810138, MONDO:0000908, OMIM 615616.

Allele frequency attached by ClinVar (database versions not stated): gnomAD exomes 0.00001; TOPMed 0.00001.
gnomAD v4.1: 3 of 1,600,828 alleles (0.00019%); highest among the groups gnomAD compares: Non-Finnish European, 0.00026%; no homozygotes.

Submission:

Labcorp Genetics (formerly Invitae), Labcorp
Classification: Uncertain significance for Arrhythmogenic right ventricular dysplasia 13. Last evaluated: 2021-01-31. Review status: criteria provided, single submitter. Criteria: Invitae Variant Classification Sherloc (09022015). Collection method: clinical testing. Allele origin: germline.
Comment: This sequence change falls in intron 14 of the CTNNA3 gene. It does not directly change the encoded amino acid sequence of the CTNNA3 protein. It affects a nucleotide within the consensus splice site of the intron. This variant is not present in population databases (ExAC no frequency). This variant has not been reported in the literature in individuals with CTNNA3-related conditions. Nucleotide substitutions within the consensus splice site are a relatively common cause of aberrant splicing (PMID: 17576681, 9536098). Algorithms developed to predict the effect of sequence changes on RNA splicing suggest that this variant may disrupt the consensus splice site, but this prediction has not been confirmed by published transcriptional studies. In summary, the available evidence is currently insufficient to determine the role of this variant in disease. Therefore, it has been classified as a Variant of Uncertain Significance.

Literature cited by the submitters: PubMed 17576681; PubMed 9536098.